The following is an entry in ClinVar:

NM_001365536.1(SCN9A):c.5588T>A (p.Met1863Lys)

Genes: SCN1A-AS1 (SCN1A and SCN9A antisense RNA 1; plus strand), SCN9A (sodium voltage-gated channel alpha subunit 9; minus strand). Cytogenetic location: 2q24.3.
Variant type: single nucleotide variant.
Coding change: c.5588T>A on transcript NM_001365536.1 (MANE Select); coding-DNA position 5588, T replaced by A.
Protein change: p.Met1863Lys; replaces methionine 1863 with lysine.
Molecular consequence: missense variant.
Genome position (GRCh38, 1-based): chr2:166,199,051, A>T on the plus strand (T>A on the coding strand, the complement: SCN9A is on the minus strand). VCF-style: chr2-166199051-A-T. GRCh37 (hg19) VCF-style: chr2-167055561-A-T.
Other names: c.5555T>A, p.Met1852Lys (NM_002977.4); short protein forms M1863K, M1852K.
Identifiers: ClinVar variation 846775 (VCV000846775.11), dbSNP rs201561928, ClinGen allele CA59783223.
Genomic context (GRCh38, chr2:166,199,051, plus strand): 5'-GTGGTTGTGATGGGTTCATAGGACACTTTGGAAGGATTTGCAGACATGAACCTTTCTTCC[A>T]TCTGTGAACGAAGAGAATCCATCTCCCCACTCTCACCCAAAACACGCTTTGTAAAAGCAA-3'
Protein context (NP_001352465.1, residues 1853-1873): SGEMDSLRSQ[Met1863Lys]EERFMSANPS

ClinVar aggregate classification (germline): Uncertain significance. Review status: criteria provided, multiple submitters, no conflicts (2 of 4 stars). 2 submissions from 2 submitters: Uncertain significance (2). Last evaluated 2025-01-18.

Conditions:
Inborn genetic diseases. Identifiers: MedGen C0950123, MeSH D030342.
Neuropathy, hereditary sensory and autonomic, type 2A (HSAN2A). Also called: HSAN IIA; ACROOSTEOLYSIS, GIACCAI TYPE; ACROOSTEOLYSIS, NEUROGENIC; MORVAN DISEASE; NEUROPATHY, CONGENITAL SENSORY; NEUROPATHY, HEREDITARY SENSORY RADICULAR, AUTOSOMAL RECESSIVE. Identifiers: Orphanet 970, MedGen C2752089, MONDO:0024309, OMIM 201300.
Generalized epilepsy with febrile seizures plus, type 7 (GEFSP7). Also called: GEFS+, TYPE 7. Identifiers: Orphanet 36387, MedGen C2751778, MONDO:0013470, OMIM 613863.

Submissions (2):

Ambry Genetics
Classification: Uncertain significance for Inborn genetic diseases. Last evaluated: 2025-01-18. Review status: criteria provided, single submitter. Criteria: Ambry Variant Classification Scheme 2023. Collection method: clinical testing. Allele origin: germline.

Labcorp Genetics (formerly Invitae), Labcorp
Classification: Uncertain significance for Neuropathy, hereditary sensory and autonomic, type 2A; Generalized epilepsy with febrile seizures plus, type 7. Last evaluated: 2020-10-26. Review status: criteria provided, single submitter. Criteria: Invitae Variant Classification Sherloc (09022015). Collection method: clinical testing. Allele origin: germline.
Comment: This variant has not been reported in the literature in individuals with SCN9A-related conditions. This sequence change replaces methionine with lysine at codon 1852 of the SCN9A protein (p.Met1852Lys). The methionine residue is highly conserved and there is a moderate physicochemical difference between methionine and lysine. This variant is not present in population databases (ExAC no frequency). Algorithms developed to predict the effect of missense changes on protein structure and function (SIFT, PolyPhen-2, Align-GVGD) all suggest that this variant is likely to be disruptive, but these predictions have not been confirmed by published functional studies and their clinical significance is uncertain. Algorithms developed to predict the effect of sequence changes on RNA splicing suggest that this variant may create or strengthen a splice site, but this prediction has not been confirmed by published transcriptional studies. In summary, the available evidence is currently insufficient to determine the role of this variant in disease. Therefore, it has been classified as a Variant of Uncertain Significance.